The following is an entry in ClinVar:

ClinVar aggregate classification (germline): Uncertain significance (1 of 4 stars; one submission).

Conditions:
Intellectual developmental disorder, autosomal dominant 1. Also called: Intellectual disability, autosomal dominant 1; MBD5 Haploinsufficiency. Identifiers: Orphanet 228402, MedGen C1969562, MONDO:0007974, OMIM 156200.

Submission:

Labcorp Genetics (formerly Invitae), Labcorp
Classification: Uncertain significance for Intellectual developmental disorder, autosomal dominant 1. Last evaluated: 2023-03-31. Review status: criteria provided, single submitter. Criteria: Invitae Variant Classification Sherloc (09022015). Collection method: clinical testing. Allele origin: germline.
Comment: In summary, the available evidence is currently insufficient to determine the role of this variant in disease. Therefore, it has been classified as a Variant of Uncertain Significance. Experimental studies and prediction algorithms are not available or were not evaluated, and the functional significance of this variant is currently unknown. ClinVar contains an entry for this variant (Variation ID: 1393670). This variant has not been reported in the literature in individuals affected with MBD5-related conditions. This variant is not present in population databases (gnomAD no frequency). This variant, c.2951_2953del, results in the deletion of 1 amino acid(s) of the MBD5 protein (p.Gln984del), but otherwise preserves the integrity of the reading frame.

NM_001378120.1(MBD5):c.3650_3652del (p.Gln1217del)

Gene: MBD5 (methyl-CpG binding domain protein 5; plus strand). Cytogenetic location: 2q23.1.
Variant type: Deletion.
Coding change: c.3650_3652del on transcript NM_001378120.1 (MANE Select); coding-DNA positions 3650 to 3652, 3 bases deleted (AAC; older notation c.3650_3652delAAC).
Protein change: p.Gln1217del; deletes glutamine 1217.
Molecular consequence: inframe deletion.
Genome position (GRCh38, 1-based): chr2:148,485,847-148,485,849, AAC deleted; deleting any 3 consecutive bases within chr2:148,485,846-148,485,849 gives the same sequence; the c. name uses the placement nearest the transcript's 3' end. VCF-style (leftmost placement, unchanged base first): chr2-148485845-GCAA-G. GRCh37 (hg19) VCF-style: chr2-149243414-GCAA-G.
Other names: c.2951_2953del, p.Gln984del (NM_018328.5); short protein forms Q1217del, Q984del.
Identifiers: ClinVar variation 1393670 (VCV001393670.6), dbSNP rs2105093794, ClinGen allele CA2573133302.
Genomic context (GRCh38, chr2:148,485,845, plus strand): 5'-GACTCATCTACAGTCGCTGTTAAACAACAATCAGATGTTTCCTCCAAATCAGCAACAGCA[GCAA>G]CTTCTCCAGGGGTACCAGAATCTCCAGGCGTTCCAAGGACAGTCCACAATTCCTTGCCCA-3'